The following is an entry in ClinVar:

ClinVar aggregate classification (germline): Uncertain significance (1 of 4 stars; one submission).

gnomAD v4.1: 1 of 1,579,868 alleles (0.000063%); highest among the groups gnomAD compares: African/African-American, 0.0014%; no homozygotes.

Submission:

Labcorp Genetics (formerly Invitae), Labcorp
Classification: Uncertain significance. Last evaluated: 2025-06-13. Review status: criteria provided, single submitter. Criteria: Invitae Variant Classification Sherloc (09022015). Collection method: clinical testing. Allele origin: germline.
Comment: This sequence change replaces serine, which is neutral and polar, with arginine, which is basic and polar, at codon 399 of the COL8A2 protein (p.Ser399Arg). This variant is not present in population databases (gnomAD no frequency). This variant has not been reported in the literature in individuals affected with COL8A2-related conditions. Experimental studies and prediction algorithms are not available or were not evaluated, and the functional significance of this variant is currently unknown. In summary, the available evidence is currently insufficient to determine the role of this variant in disease. Therefore, it has been classified as a Variant of Uncertain Significance.

NM_005202.4(COL8A2):c.1197T>G (p.Ser399Arg)

Gene: COL8A2 (collagen type VIII alpha 2 chain; minus strand). Cytogenetic location: 1p34.3.
Variant type: single nucleotide variant.
Coding change: c.1197T>G on transcript NM_005202.4 (MANE Select); coding-DNA position 1197, T replaced by G.
Protein change: p.Ser399Arg; replaces serine 399 with arginine.
Molecular consequence: missense variant.
Genome position (GRCh38, 1-based): chr1:36,098,484, A>C on the plus strand (T>G on the coding strand, the complement: COL8A2 is on the minus strand). VCF-style: chr1-36098484-A-C. GRCh37 (hg19) VCF-style: chr1-36564085-A-C.
Other names: c.1002T>G, p.Ser334Arg (NM_001294347.2); short protein forms S399R, S334R.
Identifiers: ClinVar variation 4714610 (VCV004714610.1).